The following is an entry in ClinVar:

ClinVar aggregate classification (germline): Likely benign (1 of 4 stars; one submission).

Conditions:
Multiple endocrine neoplasia, type 1 (MEN1). Also called: MEN I; WERMER SYNDROME; Endocrine adenomatosis multiple; MEN 1; MEA I. Identifiers: Orphanet 652, MedGen C0025267, MeSH D018761, MONDO:0007540, OMIM 131100.

Submission:

Myriad Genetics, Inc.
Classification: Likely benign for Multiple endocrine neoplasia, type 1. Last evaluated: 2024-11-01. Review status: criteria provided, single submitter. Criteria: Myriad Autosomal Dominant, Autosomal Recessive and X-Linked Classification Criteria (2023). Collection method: clinical testing. Allele origin: unknown.
Comment: This variant is considered likely benign. This variant is intronic and is not expected to impact mRNA splicing.

NM_001370259.2(MEN1):c.784-9G>T

Gene: MEN1 (menin 1; minus strand). Cytogenetic location: 11q13.1.
Variant type: single nucleotide variant.
Coding change: c.784-9G>T on transcript NM_001370259.2 (MANE Select); 9 bases into the intron before coding-DNA position 784, G replaced by T.
Molecular consequence: intron variant.
Genome position (GRCh38, 1-based): chr11:64,807,228, C>A on the plus strand (G>T on the coding strand, the complement: MEN1 is on the minus strand). VCF-style: chr11-64807228-C-A. GRCh37 (hg19) VCF-style: chr11-64574700-C-A.
Other names: c.799-9G>T (NM_130804.3, NM_130803.3, NM_000244.4 and 5 more transcripts); c.679-9G>T (NM_001407148.1, NM_001407149.1, NM_001407151.1 and 2 more transcripts); c.784-9G>T (NM_130799.3, NM_001407144.1, NM_001370260.2 and 7 more transcripts).
Identifiers: ClinVar variation 3773443 (VCV003773443.1).